The following is an entry in ClinVar:

ClinVar aggregate classification (germline): Likely pathogenic (1 of 4 stars; one submission).

Conditions:
Lafora disease. Also called: Epilepsy progressive myoclonic 2; Progressive Myoclonus Epilepsy, Lafora Type. Identifiers: Orphanet 501, MedGen C0751783, MONDO:0009697.

Allele frequency attached by ClinVar (database versions not stated): gnomAD exomes below 0.00001; TOPMed below 0.00001.

Submission:

Labcorp Genetics (formerly Invitae), Labcorp
Classification: Likely pathogenic for Lafora disease. Last evaluated: 2023-08-04. Review status: criteria provided, single submitter. Criteria: Invitae Variant Classification Sherloc (09022015). Collection method: clinical testing. Allele origin: germline.
Comment: In summary, the currently available evidence indicates that the variant is pathogenic, but additional data are needed to prove that conclusively. Therefore, this variant has been classified as Likely Pathogenic. Advanced modeling of protein sequence and biophysical properties (such as structural, functional, and spatial information, amino acid conservation, physicochemical variation, residue mobility, and thermodynamic stability) performed at Invitae indicates that this missense variant is expected to disrupt NHLRC1 protein function. ClinVar contains an entry for this variant (Variation ID: 648810). This missense change has been observed in individual(s) with NHLRC1-related disease (Invitae). This variant is not present in population databases (gnomAD no frequency). This sequence change replaces aspartic acid, which is acidic and polar, with valine, which is neutral and non-polar, at codon 192 of the NHLRC1 protein (p.Asp192Val).

NM_198586.3(NHLRC1):c.575A>T (p.Asp192Val)

Gene: NHLRC1 (NHL repeat containing E3 ubiquitin protein ligase 1; minus strand). Cytogenetic location: 6p22.3.
Variant type: single nucleotide variant.
Coding change: c.575A>T on transcript NM_198586.3 (MANE Select); coding-DNA position 575, A replaced by T.
Protein change: p.Asp192Val; replaces aspartic acid 192 with valine.
Molecular consequence: missense variant.
Genome position (GRCh38, 1-based): chr6:18,122,032, T>A on the plus strand (A>T on the coding strand, the complement: NHLRC1 is on the minus strand). VCF-style: chr6-18122032-T-A. GRCh37 (hg19) VCF-style: chr6-18122263-T-A.
Other names: short protein forms D192V.
Identifiers: ClinVar variation 648810 (VCV000648810.9), dbSNP rs1194084403, ClinGen allele CA362827327.
Genomic context (GRCh38, chr6:18,122,032, plus strand): 5'-CCAATGACAAGCTTGATCTGGCCAAAAAAATCAAACACTTTGATGGAGCGATCGCCGGCG[T>A]CAGTGACAACCACATGGCAGTCGTTGGTGATGGTGACATCCACAGGGTACCTAATGTCTT-3'
Protein context (NP_940988.2, residues 182-202): ITNDCHVVVT[Asp192Val]AGDRSIKVFD